The following is an entry in ClinVar:

NM_025137.4(SPG11):c.4820A>G (p.Lys1607Arg)

Gene: SPG11 (SPG11 vesicle trafficking associated, spatacsin; minus strand). Cytogenetic location: 15q21.1.
Variant type: single nucleotide variant.
Coding change: c.4820A>G on transcript NM_025137.4 (MANE Select); coding-DNA position 4820, A replaced by G.
Protein change: p.Lys1607Arg; replaces lysine 1607 with arginine.
Molecular consequence: missense variant.
Genome position (GRCh38, 1-based): chr15:44,589,338, T>C on the plus strand (A>G on the coding strand, the complement: SPG11 is on the minus strand). VCF-style: chr15-44589338-T-C. GRCh37 (hg19) VCF-style: chr15-44881536-T-C.
Other names: c.4820A>G, p.Lys1607Arg (NM_001160227.2); short protein forms K1607R.
Identifiers: ClinVar variation 1521260 (VCV001521260.5), dbSNP rs2082844140, ClinGen allele CA392224307.
Genomic context (GRCh38, chr15:44,589,338, plus strand): 5'-ACAAAGAGCTGTAAAAGCTTCCCCAGCTCATACTGGGTCTTACACTGCTGTAGCATAAGC[T>C]TCAAAAGGAAACACACCTGATCCTCCAGCCACATGGCAGGGATGACAGGGTGGACCTTTG-3'
Protein context (NP_079413.3, residues 1597-1617): WLEDQVCFLL[Lys1607Arg]LMLQQCKTQY

ClinVar aggregate classification (germline): Uncertain significance (1 of 4 stars; one submission).

Conditions:
Hereditary spastic paraplegia 11. Also called: Spastic Paraplegia 11; SPASTIC PARAPLEGIA, AUTOSOMAL RECESSIVE, COMPLICATED, WITH THIN CORPUS CALLOSUM; SPASTIC PARAPLEGIA, AUTOSOMAL RECESSIVE, WITH MENTAL IMPAIRMENT AND THIN CORPUS CALLOSUM; Nakamura Osame syndrome; Autosomal recessive hereditary spastic paraplegia, mental impairment, and thin corpus callosum; Spastic paraplegia, mental retardation and thin corpus callosum. Identifiers: Orphanet 2822, MedGen C1858479, MONDO:0011445, OMIM 604360.

Allele frequency attached by ClinVar (database versions not stated): gnomAD exomes below 0.00001; TOPMed below 0.00001.
gnomAD v4.1: 7 of 1,614,156 alleles (0.00043%); highest among the groups gnomAD compares: Non-Finnish European, 0.000085%; no homozygotes.

Submission:

Labcorp Genetics (formerly Invitae), Labcorp
Classification: Uncertain significance for Hereditary spastic paraplegia 11. Last evaluated: 2021-08-24. Review status: criteria provided, single submitter. Criteria: Invitae Variant Classification Sherloc (09022015). Collection method: clinical testing. Allele origin: germline.
Comment: This sequence change replaces lysine with arginine at codon 1607 of the SPG11 protein (p.Lys1607Arg). The lysine residue is moderately conserved and there is a small physicochemical difference between lysine and arginine. This variant is not present in population databases (ExAC no frequency). This variant has not been reported in the literature in individuals affected with SPG11-related conditions. Algorithms developed to predict the effect of missense changes on protein structure and function (SIFT, PolyPhen-2, Align-GVGD) all suggest that this variant is likely to be tolerated. Algorithms developed to predict the effect of sequence changes on RNA splicing suggest that this variant may create or strengthen a splice site. In summary, the available evidence is currently insufficient to determine the role of this variant in disease. Therefore, it has been classified as a Variant of Uncertain Significance.